The following is an entry in ClinVar:

NM_000368.5(TSC1):c.1663A>G (p.Ile555Val)

Gene: TSC1 (TSC complex subunit 1; minus strand). Cytogenetic location: 9q34.13.
Variant type: single nucleotide variant.
Coding change: c.1663A>G on transcript NM_000368.5 (MANE Select); coding-DNA position 1663, A replaced by G.
Protein change: p.Ile555Val; replaces isoleucine 555 with valine.
Molecular consequence: missense variant.
Genome position (GRCh38, 1-based): chr9:132,905,915, T>C on the plus strand (A>G on the coding strand, the complement: TSC1 is on the minus strand). VCF-style: chr9-132905915-T-C. GRCh37 (hg19) VCF-style: chr9-135781302-T-C.
Other names: c.1660A>G, p.Ile554Val (NM_001162426.2); c.1510A>G, p.Ile504Val (NM_001162427.2); c.1300A>G, p.Ile434Val (NM_001362177.2); c.1663A>G (NM_000368.4); short protein forms I434V, I504V, I554V, I555V.
Identifiers: ClinVar variation 1062363 (VCV001062363.10), dbSNP rs2131834436, ClinGen allele CA375364377.
Genomic context (GRCh38, chr9:132,905,915, plus strand): 5'-AAGTCTGGCATTCCCTGTCTCCCGCAGGGCTTTCATCAGCACTGCCGCAGGGCAGGTCTA[T>C]GGGAGTAAAGGCTTGCTTTGGTGTGTCAGGCCCAAGCTTGTCCAGGGAGGAGTGTAAAGG-3'
Protein context (NP_000359.1, residues 545-565): PDTPKQAFTP[Ile555Val]DLPCGSADES

ClinVar aggregate classification (germline): Uncertain significance. Review status: criteria provided, multiple submitters, no conflicts (2 of 4 stars). 2 submissions from 2 submitters: Uncertain significance (2). Last evaluated 2026-07-02.

Conditions:
Hereditary cancer-predisposing syndrome. Also called: Tumor predisposition; Hereditary Cancer Syndrome; Hereditary neoplastic syndrome; Neoplastic Syndromes, Hereditary. Identifiers: Orphanet 140162, MedGen C0027672, MeSH D009386, MONDO:0015356.
Tuberous sclerosis 1 (TSC1). Identifiers: Orphanet 805, MedGen C1854465, MONDO:0008612, OMIM 191100.

Submissions (2):

Ambry Genetics
Classification: Uncertain significance for Hereditary cancer-predisposing syndrome. Last evaluated: 2026-07-02. Review status: criteria provided, single submitter. Criteria: Ambry Variant Classification Scheme 2023. Collection method: clinical testing. Allele origin: germline.
Comment: The p.I555V variant (also known as c.1663A>G), located in coding exon 13 of the TSC1 gene, results from an A to G substitution at nucleotide position 1663. The isoleucine at codon 555 is replaced by valine, an amino acid with highly similar properties. This amino acid position is conserved. In addition, the in silico prediction for this alteration is inconclusive. Based on the available evidence, the clinical significance of this variant remains unclear.

Labcorp Genetics (formerly Invitae), Labcorp
Classification: Uncertain significance for Tuberous sclerosis 1. Last evaluated: 2020-05-13. Review status: criteria provided, single submitter. Criteria: Invitae Variant Classification Sherloc (09022015). Collection method: clinical testing. Allele origin: germline.
Comment: In summary, the available evidence is currently insufficient to determine the role of this variant in disease. Therefore, it has been classified as a Variant of Uncertain Significance. Algorithms developed to predict the effect of missense changes on protein structure and function are either unavailable or do not agree on the potential impact of this missense change (SIFT: "Tolerated"; PolyPhen-2: "Probably Damaging"; Align-GVGD: "Class C0"). This variant has not been reported in the literature in individuals with TSC1-related conditions. This variant is not present in population databases (ExAC no frequency). This sequence change replaces isoleucine with valine at codon 555 of the TSC1 protein (p.Ile555Val). The isoleucine residue is moderately conserved and there is a small physicochemical difference between isoleucine and valine.